The following is an entry in ClinVar:

ClinVar aggregate classification (germline): Conflicting classifications of pathogenicity. Review status: criteria provided, conflicting classifications (1 of 4 stars). 2 submissions from 2 submitters: Likely pathogenic (1); Uncertain significance (1). Last evaluated 2025-10-22.

Conditions:
Neurodevelopmental disorder with hypotonia, impaired speech, and behavioral abnormalities (NEDHISB). Also called: GNAI1-Related Neurodevelopmental Disorder. Identifiers: MedGen C5676975, MONDO:0859243, OMIM 619854.

Allele frequency attached by ClinVar (database versions not stated): gnomAD exomes below 0.00001; TOPMed below 0.00001.
gnomAD v4.1: 1 of 1,605,396 alleles (0.000062%); highest among the groups gnomAD compares: Non-Finnish European, 0.000085%; no homozygotes.

Submissions (2):

3billion
Classification: Uncertain significance for Neurodevelopmental disorder with hypotonia, impaired speech, and behavioral abnormalities. Last evaluated: 2025-10-22. Review status: criteria provided, single submitter. Criteria: ACMG Guidelines, 2015. Collection method: clinical testing. Allele origin: germline. Affected: yes.
Comment: The variant is observed at an extremely low frequency in the gnomAD v4.1.0 dataset (total allele frequency: <0.001%). Predicted Consequence/Location: Missense variant. Missense changes are a common disease-causing mechanism. In silico tool predictions suggest damaging effect of the variant on gene or gene product [REVEL: 0.79 (>=0.6, sensitivity 0.68 and specificity 0.92)]. The same nucleotide change resulting in the same amino acid change has been previously reported to be associated with GNAI1-related disorder (ClinVar ID: VCV003065594). However, the evidence of pathogenicity is insufficient at this time. Therefore, this variant is classified as VUS according to the recommendation of ACMG/AMP guideline.

Genomic Medicine Center of Excellence, King Faisal Specialist Hospital and Research Centre
Classification: Likely pathogenic for Neurodevelopmental disorder with hypotonia, impaired speech, and behavioral abnormalities. Last evaluated: 2024-03-29. Review status: criteria provided, single submitter. Criteria: ACMG Guidelines, 2015. Collection method: clinical testing. Allele origin: germline.

NM_002069.6(GNAI1):c.170A>G (p.His57Arg)

Gene: GNAI1 (G protein subunit alpha i1; plus strand). Cytogenetic location: 7q21.11.
Variant type: single nucleotide variant.
Coding change: c.170A>G on transcript NM_002069.6 (MANE Select); coding-DNA position 170, A replaced by G.
Protein change: p.His57Arg; replaces histidine 57 with arginine.
Molecular consequence: missense variant.
Genome position (GRCh38, 1-based): chr7:80,189,098, A>G. VCF-style: chr7-80189098-A-G. GRCh37 (hg19) VCF-style: chr7-79818414-A-G.
Other names: c.14A>G, p.His5Arg (NM_001256414.2); short protein forms H57R, H5R.
Identifiers: ClinVar variation 3065594 (VCV003065594.2), dbSNP rs1788436294, ClinGen allele CA368011557.
Genomic context (GRCh38, chr7:80,189,098, plus strand): 5'-CGTTCTACCAAAGGAAGTAAATAATTCTTTTTTTTCCCTTTTGTCTCATTAGAATTATCC[A>G]TGAAGCTGGTTATTCAGAAGAGGAGTGTAAACAATACAAAGCAGTGGTCTACAGTAACAC-3'
Protein context (NP_002060.4, residues 47-67): STIVKQMKII[His57Arg]EAGYSEEECK